The following is an entry in ClinVar:

NM_001853.4(COL9A3):c.1469G>A (p.Gly490Asp)

Genes: COL9A3 (collagen type IX alpha 3 chain; plus strand), LOC126863084 (MED14-independent group 3 enhancer GRCh37_chr20:61467141-61468340; plus strand). Cytogenetic location: 20q13.33.
Variant type: single nucleotide variant.
Coding change: c.1469G>A on transcript NM_001853.4 (MANE Select); coding-DNA position 1469, G replaced by A.
Protein change: p.Gly490Asp; replaces glycine 490 with aspartic acid.
Molecular consequence: missense variant.
Genome position (GRCh38, 1-based): chr20:62,836,254, G>A. VCF-style: chr20-62836254-G-A. GRCh37 (hg19) VCF-style: chr20-61467606-G-A.
Other names: short protein forms G490D.
Identifiers: ClinVar variation 4750199 (VCV004750199.1).

ClinVar aggregate classification (germline): Uncertain significance (1 of 4 stars; one submission).

gnomAD v4.1: 2 of 1,613,742 alleles (0.00012%); highest among the groups gnomAD compares: Non-Finnish European, 0.00017%; no homozygotes.

Submission:

Labcorp Genetics (formerly Invitae), Labcorp
Classification: Uncertain significance. Last evaluated: 2025-10-04. Review status: criteria provided, single submitter. Criteria: Invitae Variant Classification Sherloc (09022015). Collection method: clinical testing. Allele origin: germline.
Comment: This sequence change replaces glycine, which is neutral and non-polar, with aspartic acid, which is acidic and polar, at codon 490 of the COL9A3 protein (p.Gly490Asp). This variant is present in population databases (no rsID available, gnomAD 0.002%). This variant has not been reported in the literature in individuals affected with COL9A3-related conditions. Invitae Evidence Modeling of protein sequence and biophysical properties (such as structural, functional, and spatial information, amino acid conservation, physicochemical variation, residue mobility, and thermodynamic stability) indicates that this missense variant is expected to disrupt COL9A3 protein function with a positive predictive value of 95%. In summary, the available evidence is currently insufficient to determine the role of this variant in disease. Therefore, it has been classified as a Variant of Uncertain Significance.